The following is an entry in ClinVar:

NM_015662.3(IFT172):c.1314C>G (p.Pro438=)

Gene: IFT172 (intraflagellar transport 172; minus strand). Cytogenetic location: 2p23.3.
Variant type: single nucleotide variant.
Coding change: c.1314C>G on transcript NM_015662.3 (MANE Select); coding-DNA position 1314, C replaced by G.
Protein change: p.Pro438=; no amino-acid change (proline 438 retained).
Molecular consequence: synonymous variant.
Genome position (GRCh38, 1-based): chr2:27,477,228, G>C on the plus strand (C>G on the coding strand, the complement: IFT172 is on the minus strand). VCF-style: chr2-27477228-G-C. GRCh37 (hg19) VCF-style: chr2-27700095-G-C.
Other names: c.1314C>G (NM_015662.2).
Identifiers: ClinVar variation 1639196 (VCV001639196.10), dbSNP rs1435972299, ClinGen allele CA425412243.

ClinVar aggregate classification (germline): Likely benign. Review status: criteria provided, multiple submitters, no conflicts (2 of 4 stars). 3 submissions from 3 submitters: Likely benign (3). Last evaluated 2025-12-08.

Conditions:
Short-rib thoracic dysplasia 10 with or without polydactyly (SRTD10). Identifiers: Orphanet 474, MedGen C3810175, MONDO:0014284, OMIM 615630.
Retinitis pigmentosa 71 (RP71). Identifiers: Orphanet 791, MedGen C4225342, MONDO:0014618, OMIM 616394.
Bardet-Biedl syndrome 20. Identifiers: MedGen C4310707, MONDO:0023670, OMIM 619471, MONDO:0014926.
IFT172-related disorder. Also called: IFT172-related disorders; IFT172-related condition.

Allele frequency attached by ClinVar (database versions not stated): gnomAD exomes below 0.00001 and 0.00001; gnomAD 0.00001; TOPMed 0.00001.
gnomAD v4.1: 4 of 1,613,274 alleles (0.00025%); highest among the groups gnomAD compares: East Asian, 0.0045%; no homozygotes.

Submissions (3):

PreventionGenetics, part of Exact Sciences
Classification: Likely benign for IFT172-related condition. Last evaluated: 2025-12-08. Review status: criteria provided, single submitter. Criteria: ACMG Guidelines, 2015. Collection method: clinical testing. Allele origin: germline.
Comment: This variant is classified as likely benign based on ACMG/AMP sequence variant interpretation guidelines (Richards et al. 2015 PMID: 25741868, with internal and published modifications).

Labcorp Genetics (formerly Invitae), Labcorp
Classification: Likely benign for Retinitis pigmentosa 71; Short-rib thoracic dysplasia 10 with or without polydactyly. Last evaluated: 2022-06-20. Review status: criteria provided, single submitter. Criteria: Invitae Variant Classification Sherloc (09022015). Collection method: clinical testing. Allele origin: germline.

Fulgent Genetics
Classification: Likely benign for Short-rib thoracic dysplasia 10 with or without polydactyly; Retinitis pigmentosa 71; Bardet-Biedl syndrome 20. Last evaluated: 2021-12-28. Review status: criteria provided, single submitter. Criteria: ACMG Guidelines, 2015. Collection method: clinical testing. Allele origin: unknown.